The following is an entry in ClinVar:

ClinVar aggregate classification (germline): Pathogenic. Review status: criteria provided, multiple submitters, no conflicts (2 of 4 stars). 9 submissions from 9 submitters: Pathogenic (6). 3 of the submissions do not count toward it. Last evaluated 2025-01-27.

Conditions:
Holocarboxylase synthetase deficiency. Also called: MULTIPLE CARBOXYLASE DEFICIENCY, EARLY ONSET. Identifiers: Orphanet 79242, MedGen C0268581, MONDO:0009666, OMIM 253270.

Submissions (9):

Natera, Inc.
Classification: Pathogenic for Holocarboxylase synthetase deficiency. Last evaluated: 2025-01-27. Review status: criteria provided, single submitter. Criteria: Natera Variant Classification Schema (03/2026). Collection method: clinical testing. Allele origin: germline.
Comment: The c.782delG variant in HLCS is a frameshift variant predicted to shift the reading frame beginning at codon 261 and leads to a stop codon 20 codons downstream. This variant is expected to result in nonsense mediated decay, truncation, or a dysfunctional protein product. This variant is rare in the general population with a frequency below the threshold expected for the associated phenotype(s). This variant has been observed in one or more individuals affected with the associated recessive disease, as either homozygous or compound heterozygous with a second variant (PMID: 11735028, 8541348, 9870216). Given the available evidence, this variant is classified as Pathogenic.

GeneDx
Classification: Pathogenic. Last evaluated: 2024-05-20. Review status: criteria provided, single submitter. Criteria: GeneDx Variant Classification Process June 2021. Collection method: clinical testing. Allele origin: germline. Affected: yes.
Comment: Also known as delG1067; This variant is associated with the following publications: (PMID: 7842009, 35314707, 8541348, 11735028, 29961769, 9870216, 33514801)

Labcorp Genetics (formerly Invitae), Labcorp
Classification: Pathogenic for Holocarboxylase synthetase deficiency. Last evaluated: 2023-09-29. Review status: criteria provided, single submitter. Criteria: Invitae Variant Classification Sherloc (09022015). Collection method: clinical testing. Allele origin: germline.
Comment: This sequence change creates a premature translational stop signal (p.Gly261Valfs*20) in the HLCS gene. It is expected to result in an absent or disrupted protein product. Loss-of-function variants in HLCS are known to be pathogenic (PMID: 16134170). This variant is present in population databases (rs771944310, gnomAD 0.03%). This premature translational stop signal has been observed in individuals with holocarboxylase synthetase deficiency (PMID: 7842009, 9870216, 11735028). This variant is also known as delG1067, c.780delG. ClinVar contains an entry for this variant (Variation ID: 203777). For these reasons, this variant has been classified as Pathogenic.

Women's Health and Genetics/Laboratory Corporation of America, LabCorp
Classification: Pathogenic for Holocarboxylase synthetase deficiency. Last evaluated: 2017-09-21. Review status: criteria provided, single submitter. Criteria: LabCorp Variant Classification Summary - May 2015. Collection method: clinical testing. Allele origin: germline.
Comment: Variant summary: The HLCS c.782delG (p.Gly261ValfsX20) variant results in a premature termination codon, predicted to cause a truncated or absent HLCS protein due to nonsense mediated decay, which are commonly known mechanisms for disease. This variant was found in 5/276850 control chromosomes at a frequency of 0.0000181, which does not exceed the estimated maximal expected allele frequency of a pathogenic HLCS variant (0.0027839). The variant of interest has been reported in multiple compound heterozygote individuals and has been indicated to be a common mutation observed in Japanese (Yang_2001). In addition, multiple clinical diagnostic laboratories classified this variant as pathogenic. Taken together, this variant is classified as pathogenic.

Illumina Laboratory Services, Illumina
Classification: Pathogenic for Holocarboxylase synthetase deficiency. Last evaluated: 2017-04-28. Review status: criteria provided, single submitter. Criteria: ICSL Variant Classification Criteria 09 May 2019. Collection method: clinical testing. Allele origin: germline.
Comment: The HLCS c.782delG (p.Gly261ValfsTer20) variant is a frameshift variant that is predicted to cause premature truncation of the protein. The p.Gly261ValfsTer20 variant, described as one of the most common variants in the Japanese population in individuals with holocarboxylase synthetase (HLCS) deficiency, has been reported in three studies in which it is found in a total of nine patients with HLCS deficiency including in eight in a compound heterozygous state (of whom two are siblings) and in one in a heterozygous state in whom a second allele could not be identified based on screening of five variants (Suzuki et al. 1994; Yang et al. 2000; Yang et al. 2001; Castro et al. 2015). Control data are unavailable for this variant, which is reported at a frequency of 0.00035 in the East Asian population of the Exome Aggregation Consortium. Enzyme activity in patients ranged between 5-14% of the enzymatic activity of normal controls. The p.Gly261ValfsTer20 variant along with another missense variant was determined to be in linkage disequilibrium with a specific haplotype indicating that it is a founder variant in the Japanese population (Yang et al. 2000). Based on the evidence and potential impact of frameshift variants, the p.Gly261ValfsTer20 variant is classified as pathogenic for holocarboxylase synthetase deficiency. This variant was observed by ICSL as part of a predisposition screen in an ostensibly healthy population.

Juno Genomics, Hangzhou Juno Genomics, Inc
Classification: Pathogenic for Holocarboxylase synthetase deficiency. Review status: criteria provided, single submitter. Criteria: ACMG Guidelines, 2015. Collection method: clinical testing. Allele origin: germline.
Comment: Absent from controls (or at extremely low frequency if recessive) in Genome Aggregation Database.;Null variant in a gene where loss of function (LOF) is a known mechanism of disease.;For recessive disorders, detected in trans with a pathogenic variant.

SingHealth Duke-NUS Institute of Precision Medicine
Classification: Pathogenic for Holocarboxylase synthetase deficiency. Last evaluated: 2017-06-07. Review status: no assertion criteria provided. Collection method: curation. Allele origin: germline. Affected: no. Not counted in ClinVar's aggregate classification.

Counsyl
Classification: Pathogenic for Holocarboxylase synthetase deficiency. Last evaluated: 2016-07-22. Review status: no assertion criteria provided. Collection method: clinical testing. Allele origin: unknown. Not counted in ClinVar's aggregate classification.

OMIM
Classification: Pathogenic for HOLOCARBOXYLASE SYNTHETASE DEFICIENCY. Last evaluated: 2000-01-01. Review status: no assertion criteria provided. Collection method: literature only. Allele origin: germline. Not counted in ClinVar's aggregate classification.

Literature cited by the submitters: PubMed 11735028 (cited by 5 submitters); PubMed 8541348 (cited by Natera, Inc. and Counsyl); PubMed 9870216 (cited by 3 submitters); PubMed 16134170 (cited by Labcorp Genetics (formerly Invitae), Labcorp); PubMed 7842009 (cited by 4 submitters); PubMed 11185745 (cited by 3 submitters); PubMed 25690727 (cited by Illumina Laboratory Services, Illumina); PubMed 6133032 (cited by OMIM).

NM_001352514.2(HLCS):c.1223del (p.Gly408fs)

Gene: HLCS (holocarboxylase synthetase; minus strand). Cytogenetic location: 21q22.13.
Variant type: Deletion.
Coding change: c.1223del on transcript NM_001352514.2 (MANE Select); coding-DNA position 1223, one base deleted (G; older notation c.1223delG).
Protein change: p.Gly408fs; shifts the reading frame from glycine 408.
Molecular consequence: frameshift variant. On other transcripts: non-coding transcript variant (2).
Genome position (GRCh38, 1-based): chr21:36,936,663, C deleted on the plus strand (G on the coding strand, the reverse complement: HLCS is on the minus strand); the first of 3 consecutive C bases (chr21:36,936,663-36,936,665); deleting any one gives the same sequence. VCF-style (leftmost placement, unchanged base first): chr21-36936662-AC-A. GRCh37 (hg19) VCF-style: chr21-38308962-AC-A.
Other names: c.782delG (NM_000411.8, NM_000411.7); c.782del (NM_000411.6); c.782del, p.Gly261fs (NM_000411.8, NM_001242784.3, NM_001242785.2 and 4 more transcripts); short protein forms G261fs, G408fs.
Identifiers: ClinVar variation 203777 (VCV000203777.26), dbSNP rs771944310, ClinGen allele CA312635.